The following is an entry in ClinVar:

NM_000540.3(RYR1):c.8042G>A (p.Gly2681Asp)

Gene: RYR1 (ryanodine receptor 1; plus strand). Cytogenetic location: 19q13.2.
Variant type: single nucleotide variant.
Coding change: c.8042G>A on transcript NM_000540.3 (MANE Select); coding-DNA position 8042, G replaced by A.
Protein change: p.Gly2681Asp; replaces glycine 2681 with aspartic acid.
Molecular consequence: missense variant.
Genome position (GRCh38, 1-based): chr19:38,504,335, G>A. VCF-style: chr19-38504335-G-A. GRCh37 (hg19) VCF-style: chr19-38994975-G-A.
Other names: c.8042G>A, p.Gly2681Asp (NM_001042723.2); short protein forms G2681D.
Identifiers: ClinVar variation 1963069 (VCV001963069.4), dbSNP rs1970341837, ClinGen allele CA405676095.

ClinVar aggregate classification (germline): Uncertain significance. Review status: criteria provided, multiple submitters, no conflicts (2 of 4 stars). 2 submissions from 2 submitters: Uncertain significance (2). Last evaluated 2025-08-16.

Conditions:
RYR1-related disorder. Also called: RYR1-related condition; RYR1-related disorders. Identifiers: MedGen CN239331.
Malignant hyperthermia, susceptibility to, 1 (MHS1). Also called: Malignant hyperthermia suceptibility 1; Anesthesia related hyperthermia; Malignant hyperpyrexia; Fulminating hyperpyrexia; Pharmacogenic myopathy; RYR1-Related Malignant Hyperthermia Susceptibility. Identifiers: Orphanet 423, MedGen C2930980, MONDO:0007783, OMIM 145600.

gnomAD v4.1: 1 of 1,614,146 alleles (0.000062%); highest among the groups gnomAD compares: Non-Finnish European, 0.000085%; no homozygotes.

Submissions (2):

Labcorp Genetics (formerly Invitae), Labcorp
Classification: Uncertain significance for RYR1-related disorder. Last evaluated: 2025-08-16. Review status: criteria provided, single submitter. Criteria: Invitae Variant Classification Sherloc (09022015). Collection method: clinical testing. Allele origin: germline.
Comment: This sequence change replaces glycine, which is neutral and non-polar, with aspartic acid, which is acidic and polar, at codon 2681 of the RYR1 protein (p.Gly2681Asp). This variant is not present in population databases (gnomAD no frequency). This variant has not been reported in the literature in individuals affected with RYR1-related conditions. ClinVar contains an entry for this variant (Variation ID: 1963069). Invitae Evidence Modeling of protein sequence and biophysical properties (such as structural, functional, and spatial information, amino acid conservation, physicochemical variation, residue mobility, and thermodynamic stability) indicates that this missense variant is not expected to disrupt RYR1 protein function with a negative predictive value of 80%. In summary, the available evidence is currently insufficient to determine the role of this variant in disease. Therefore, it has been classified as a Variant of Uncertain Significance.

Color Diagnostics, LLC DBA Color Health
Classification: Uncertain significance for Malignant hyperthermia, susceptibility to, 1. Last evaluated: 2025-06-24. Review status: criteria provided, single submitter. Criteria: ACMG Guidelines, 2015. Collection method: clinical testing. Allele origin: germline.
Comment: This missense variant replaces glycine with aspartic acid at codon 2681 of the RYR1 protein. Computational prediction suggests that this variant may have deleterious impact on protein structure and function. To our knowledge, functional studies have not been reported for this variant. This variant has not been reported in individuals affected with RYR1-related disorders in the literature. This variant has not been identified in the general population by the Genome Aggregation Database (gnomAD). The available evidence is insufficient to determine the role of this variant in disease conclusively. Therefore, this variant is classified as a Variant of Uncertain Significance.